The following is an entry in ClinVar:

NM_000135.4(FANCA):c.2894_2895del (p.Pro965fs)

Gene: FANCA (FA complementation group A; minus strand). Cytogenetic location: 16q24.3.
Variant type: Deletion.
Coding change: c.2894_2895del on transcript NM_000135.4 (MANE Select); coding-DNA positions 2894 to 2895, 2 bases deleted (CT; older notation c.2894_2895delCT).
Protein change: p.Pro965fs; shifts the reading frame from proline 965.
Molecular consequence: frameshift variant.
Genome position (GRCh38, 1-based): chr16:89,758,663-89,758,664, AG deleted on the plus strand (CT on the coding strand, the reverse complement: FANCA is on the minus strand). VCF-style (leftmost placement, unchanged base first): chr16-89758662-CAG-C. GRCh37 (hg19) VCF-style: chr16-89825070-CAG-C.
Other names: c.2894_2895del, p.Pro965fs (NM_001286167.3); short protein forms P965fs.
Identifiers: ClinVar variation 2982347 (VCV002982347.3), dbSNP rs2544156915, ClinGen allele CA2635023270.
Genomic context (GRCh38, chr16:89,758,662, plus strand): 5'-TGACAAGAATGGTACACGCAGCCTGCAGGTCTCCGTCACAGCCCCCTGAAGCCGAGGACT[CAG>C]GGAGAAAGTGCTCATGGATCGCCCACTGGTGGAAGTCCTGCCTAGAACAGCAAACACTGC-3'

ClinVar aggregate classification (germline): Pathogenic (1 of 4 stars; one submission).

Conditions:
Fanconi anemia (FA). Also called: Fanconi's anemia. Identifiers: Orphanet 84, MedGen C0015625, MeSH D005199, MONDO:0019391.

Allele frequency attached by ClinVar (database versions not stated): gnomAD exomes below 0.00001.

Submission:

Labcorp Genetics (formerly Invitae), Labcorp
Classification: Pathogenic for Fanconi anemia. Last evaluated: 2023-11-28. Review status: criteria provided, single submitter. Criteria: Invitae Variant Classification Sherloc (09022015). Collection method: clinical testing. Allele origin: germline.
Comment: This sequence change creates a premature translational stop signal (p.Pro965Argfs*9) in the FANCA gene. It is expected to result in an absent or disrupted protein product. Loss-of-function variants in FANCA are known to be pathogenic (PMID: 19367192). This variant is not present in population databases (gnomAD no frequency). This premature translational stop signal has been observed in individual(s) with Fanconi anemia (PMID: 32487094). For these reasons, this variant has been classified as Pathogenic.

Literature cited by the submitters: PubMed 19367192; PubMed 32487094.